The following is an entry in ClinVar:

NM_001206927.2(DNAH8):c.9589C>T (p.Arg3197Cys)

Genes: DNAH8 (dynein axonemal heavy chain 8; plus strand), DNAH8-AS1 (DNAH8 antisense RNA 1; minus strand). Cytogenetic location: 6p21.2.
Variant type: single nucleotide variant.
Coding change: c.9589C>T on transcript NM_001206927.2 (MANE Select); coding-DNA position 9589, C replaced by T.
Protein change: p.Arg3197Cys; replaces arginine 3197 with cysteine.
Molecular consequence: missense variant.
Genome position (GRCh38, 1-based): chr6:38,909,593, C>T. VCF-style: chr6-38909593-C-T. GRCh37 (hg19) VCF-style: chr6-38877369-C-T.
Other names: c.8938C>T, p.Arg2980Cys (NM_001371.4); short protein forms R2980C, R3197C.
Identifiers: ClinVar variation 2045383 (VCV002045383.3), dbSNP rs375494581, ClinGen allele CA3790510.
Genomic context (GRCh38, chr6:38,909,593, plus strand): 5'-CGTGCCCGTTCTTTGAAATTTCCTGGCTTGATATCAGGTTGCACTATGGACTGGTTCAGC[C>T]GCTGGCCAAGGGAGGCTCTGATTGCTGTGGCCTCCTACTTCCTTTCAGACTATAATATTG-3'
Protein context (NP_001193856.1, residues 3187-3207): ISGCTMDWFS[Arg3197Cys]WPREALIAVA

ClinVar aggregate classification (germline): Uncertain significance (1 of 4 stars; one submission).

Conditions:
Primary ciliary dyskinesia. Also called: Ciliary dyskinesia. Identifiers: Orphanet 244, MedGen C0008780, MONDO:0016575, HP:0012265.

Allele frequency attached by ClinVar (database versions not stated): ExAC 0.00003; gnomAD 0.00003; gnomAD exomes 0.00003; TOPMed 0.00003; ESP Exome Variant Server 0.00008.
gnomAD v4.1: 50 of 1,614,014 alleles (0.0031%); highest among the groups gnomAD compares: Admixed American, 0.017%; no homozygotes.

Submission:

Labcorp Genetics (formerly Invitae), Labcorp
Classification: Uncertain significance for Primary ciliary dyskinesia. Last evaluated: 2022-02-19. Review status: criteria provided, single submitter. Criteria: Invitae Variant Classification Sherloc (09022015). Collection method: clinical testing. Allele origin: germline.
Comment: This sequence change replaces arginine, which is basic and polar, with cysteine, which is neutral and slightly polar, at codon 3197 of the DNAH8 protein (p.Arg3197Cys). This variant is present in population databases (rs375494581, gnomAD 0.01%). This variant has not been reported in the literature in individuals affected with DNAH8-related conditions. Algorithms developed to predict the effect of missense changes on protein structure and function are either unavailable or do not agree on the potential impact of this missense change (SIFT: "Deleterious"; PolyPhen-2: "Not Available"; Align-GVGD: "Class C55"). In summary, the available evidence is currently insufficient to determine the role of this variant in disease. Therefore, it has been classified as a Variant of Uncertain Significance.